The following is an entry in ClinVar:

ClinVar aggregate classification (germline): Uncertain significance (1 of 4 stars; one submission).

Allele frequency attached by ClinVar (database versions not stated): gnomAD exomes below 0.00001; gnomAD 0.00001; TOPMed 0.00003.

Submission:

Labcorp Genetics (formerly Invitae), Labcorp
Classification: Uncertain significance. Last evaluated: 2023-04-15. Review status: criteria provided, single submitter. Criteria: Invitae Variant Classification Sherloc (09022015). Collection method: clinical testing. Allele origin: germline.
Comment: In summary, the available evidence is currently insufficient to determine the role of this variant in disease. Therefore, it has been classified as a Variant of Uncertain Significance. This variant has not been reported in the literature in individuals affected with SGMS2-related conditions. This variant is not present in population databases (gnomAD no frequency). This sequence change creates a premature translational stop signal (p.Leu149*) in the SGMS2 gene. It is expected to result in an absent or disrupted protein product. However, the current clinical and genetic evidence is not sufficient to establish whether loss-of-function variants in SGMS2 cause disease.

NM_001375905.1(SGMS2):c.441del (p.Phe148_Leu149insTer)

Genes: CYP2U1-AS1 (CYP2U1 and SGMS2 antisense RNA 1; minus strand), SGMS2 (sphingomyelin synthase 2; plus strand). Cytogenetic location: 4q25.
Variant type: Deletion.
Coding change: c.441del on transcript NM_001375905.1 (MANE Select); coding-DNA position 441, one base deleted (G; older notation c.441delG).
Protein change: p.Phe148_Leu149insTer.
Molecular consequence: frameshift variant. On other transcripts: intron variant (1).
Genome position (GRCh38, 1-based): chr4:107,895,994, G deleted. VCF-style (leftmost placement, unchanged base first): chr4-107895993-TG-T. GRCh37 (hg19) VCF-style: chr4-108817149-TG-T.
Other names: c.441del, p.Phe148_Leu149insTer (NM_001136257.2, NM_001136258.2, NM_001375906.1 and 4 more transcripts); c.-64-3581del (NM_001375911.1).
Identifiers: ClinVar variation 2899607 (VCV002899607.3), dbSNP rs1730633933, ClinGen allele CA1066492549.